The following is an entry in ClinVar:

ClinVar aggregate classification (germline): Likely benign (1 of 4 stars; one submission).

Conditions:
Cardiomyopathy (CMYO). Also called: Cardiomyopathies. Identifiers: Orphanet 167848, MedGen C0878544, MONDO:0004994, HP:0001638. Inheritance: Various modes of inheritance.

Submission:

All of Us Research Program, National Institutes of Health
Classification: Likely benign for Cardiomyopathy. Last evaluated: 2024-05-14. Review status: criteria provided, single submitter. Criteria: ACMG Guidelines, 2015. Collection method: clinical testing. Allele origin: germline. Inheritance: Autosomal dominant inheritance. Observed: 2 variant alleles, 2 heterozygotes.
Comment: This study involves interpretation of variants in research participants for the purpose of population health screening. Participant phenotype was not available at the time of variant classification. Additional details can be found in publication PMID: 35346344, PMCID: PMC8962531

NM_000257.4(MYH7):c.3654G>A (p.Glu1218=)

Gene: MYH7 (myosin heavy chain 7; minus strand). Cytogenetic location: 14q11.2.
Variant type: single nucleotide variant.
Coding change: c.3654G>A on transcript NM_000257.4 (MANE Select); coding-DNA position 3654, G replaced by A.
Protein change: p.Glu1218=; no amino-acid change (glutamic acid 1218 retained).
Molecular consequence: synonymous variant.
Genome position (GRCh38, 1-based): chr14:23,419,917, C>T on the plus strand (G>A on the coding strand, the complement: MYH7 is on the minus strand). VCF-style: chr14-23419917-C-T. GRCh37 (hg19) VCF-style: chr14-23889126-C-T.
Other names: c.3654G>A, p.Glu1218= (NM_001407004.1).
Identifiers: ClinVar variation 3072275 (VCV003072275.2), dbSNP rs1469838794, ClinGen allele CA485766657.